The following is an entry in ClinVar:

NM_139159.5(DPP9):c.1716G>A (p.Thr572=)

Gene: DPP9 (dipeptidyl peptidase 9; minus strand). Cytogenetic location: 19p13.3.
Variant type: single nucleotide variant.
Coding change: c.1716G>A on transcript NM_139159.5 (MANE Select); coding-DNA position 1716, G replaced by A.
Protein change: p.Thr572=; no amino-acid change (threonine 572 retained).
Molecular consequence: synonymous variant. On other transcripts: non-coding transcript variant (9).
Genome position (GRCh38, 1-based): chr19:4,689,603, C>T on the plus strand (G>A on the coding strand, the complement: DPP9 is on the minus strand). VCF-style: chr19-4689603-C-T. GRCh37 (hg19) VCF-style: chr19-4689615-C-T.
Other names: c.1716G>A, p.Thr572= (NM_001384611.1, NM_001384612.1, NM_001384613.1 and 8 more transcripts); c.1683G>A, p.Thr561= (NM_001384619.1); c.1677G>A, p.Thr559= (NM_001384620.1, NM_001384621.1); c.1629G>A, p.Thr543= (NM_001384623.1, NM_001384624.1, NM_001384625.1 and 2 more transcripts); c.1476G>A, p.Thr492= (NM_001384631.1).
Identifiers: ClinVar variation 3904838 (VCV003904838.10).

ClinVar aggregate classification (germline): Likely benign (1 of 4 stars; one submission).

gnomAD v4.1: 36 of 1,572,294 alleles (0.0023%); highest among the groups gnomAD compares: Middle Eastern, 0.017%; no homozygotes.

Submission:

CeGaT Center for Human Genetics Tuebingen
Classification: Likely benign. Last evaluated: 2025-06-01. Review status: criteria provided, single submitter. Criteria: CeGaT Center For Human Genetics Tuebingen Variant Classification Criteria Version 2. Collection method: clinical testing. Allele origin: germline. Affected: yes. Observed: 1 variant allele.
Comment: DPP9: BP4, BP7